The following is an entry in ClinVar:

ClinVar aggregate classification (germline): Conflicting classifications of pathogenicity. Review status: criteria provided, conflicting classifications (1 of 4 stars). 4 submissions from 4 submitters: Uncertain significance (1); Likely benign (2). 1 of the submissions does not count toward it. Last evaluated 2024-11-12.

Conditions:
RETREG1-related disorder. Also called: RETREG1-related condition.
Inborn genetic diseases. Identifiers: MedGen C0950123, MeSH D030342.

Allele frequency attached by ClinVar (database versions not stated): gnomAD exomes 0.00003 and 0.00002; TOPMed below 0.00001; ExAC 0.00002; gnomAD 0.00003.
gnomAD v4.1: 38 of 1,612,156 alleles (0.0024%); highest among the groups gnomAD compares: Non-Finnish European, 0.0032%; no homozygotes.

Submissions (4):

Labcorp Genetics (formerly Invitae), Labcorp
Classification: Likely benign. Last evaluated: 2024-11-12. Review status: criteria provided, single submitter. Criteria: Invitae Variant Classification Sherloc (09022015). Collection method: clinical testing. Allele origin: germline.

Ambry Genetics
Classification: Likely benign for Inborn genetic diseases. Last evaluated: 2019-07-11. Review status: criteria provided, single submitter. Criteria: Ambry Variant Classification Scheme 2023. Collection method: clinical testing. Allele origin: germline.

Eurofins Ntd Llc (ga)
Classification: Uncertain significance. Last evaluated: 2014-12-01. Review status: criteria provided, single submitter. Criteria: EGL Classification Definitions 2015. Collection method: clinical testing. Allele origin: germline. Observed: 1 variant allele, 1 heterozygote.

PreventionGenetics, part of Exact Sciences
Classification: Likely benign for RETREG1-related condition. Last evaluated: 2019-06-07. Review status: no assertion criteria provided. Collection method: clinical testing. Allele origin: germline. Not counted in ClinVar's aggregate classification.
Comment: This variant is classified as likely benign based on ACMG/AMP sequence variant interpretation guidelines (Richards et al. 2015 PMID: 25741868, with internal and published modifications).

NM_001034850.3(RETREG1):c.750G>T (p.Leu250=)

Gene: RETREG1 (reticulophagy regulator 1; minus strand). Cytogenetic location: 5p15.1.
Variant type: single nucleotide variant.
Coding change: c.750G>T on transcript NM_001034850.3 (MANE Select); coding-DNA position 750, G replaced by T.
Protein change: p.Leu250=; no amino-acid change (leucine 250 retained).
Molecular consequence: synonymous variant.
Genome position (GRCh38, 1-based): chr5:16,478,908, C>A on the plus strand (G>T on the coding strand, the complement: RETREG1 is on the minus strand). VCF-style: chr5-16478908-C-A. GRCh37 (hg19) VCF-style: chr5-16479017-C-A.
Other names: c.327G>T, p.Leu109= (NM_019000.5).
Identifiers: ClinVar variation 198114 (VCV000198114.18), dbSNP rs767329180, ClinGen allele CA246608.